The following is an entry in ClinVar:

NM_001375.3(DNASE2):c.47C>A (p.Ala16Asp)

Genes: DNASE2 (deoxyribonuclease 2, lysosomal; minus strand), LOC117125588 (CRISPRi-FlowFISH-validated KLF1 regulatory element 1; plus strand). Cytogenetic location: 19p13.13.
Variant type: single nucleotide variant.
Coding change: c.47C>A on transcript NM_001375.3 (MANE Select); coding-DNA position 47, C replaced by A.
Protein change: p.Ala16Asp; replaces alanine 16 with aspartic acid.
Molecular consequence: missense variant.
Genome position (GRCh38, 1-based): chr19:12,881,329, G>T on the plus strand (C>A on the coding strand, the complement: DNASE2 is on the minus strand). VCF-style: chr19-12881329-G-T. GRCh37 (hg19) VCF-style: chr19-12992143-G-T.
Other names: short protein forms A16D.
Identifiers: ClinVar variation 2071054 (VCV002071054.2), dbSNP rs562700068, ClinGen allele CA9233912.
Genomic context (GRCh38, chr19:12,881,329, plus strand): 5'-GGCCCCCCGCTGCGCACTCACCAGTCTACAGGCTGCCCGGAGTCCCCGTAGCAGGTCAGG[G>T]CCCCGGCGGGGACGCACAGCAGCGCTGCCAGCAGCAGCGGGATCATAGCTGCTATGGGGC-3'
Protein context (NP_001366.1, residues 6-26): LAALLCVPAG[Ala16Asp]LTCYGDSGQP

ClinVar aggregate classification (germline): Uncertain significance (1 of 4 stars; one submission).

Allele frequency attached by ClinVar (database versions not stated): gnomAD exomes 0.00002; TOPMed 0.00009; gnomAD 0.00012; ExAC 0.00013; 1000 Genomes Project 30x 0.00062; 1000 Genomes Project 0.00080.
gnomAD v4.1: 44 of 1,570,068 alleles (0.0028%); highest among the groups gnomAD compares: African/African-American, 0.056%; no homozygotes.

Submission:

Labcorp Genetics (formerly Invitae), Labcorp
Classification: Uncertain significance. Last evaluated: 2024-10-29. Review status: criteria provided, single submitter. Criteria: Invitae Variant Classification Sherloc (09022015). Collection method: clinical testing. Allele origin: germline.
Comment: This sequence change replaces alanine, which is neutral and non-polar, with aspartic acid, which is acidic and polar, at codon 16 of the DNASE2 protein (p.Ala16Asp). The frequency data for this variant in the population databases is considered unreliable, as metrics indicate poor data quality at this position in the gnomAD database. This variant has not been reported in the literature in individuals affected with DNASE2-related conditions. ClinVar contains an entry for this variant (Variation ID: 2071054). An algorithm developed to predict the effect of missense changes on protein structure and function (PolyPhen-2) suggests that this variant is likely to be disruptive. In summary, the available evidence is currently insufficient to determine the role of this variant in disease. Therefore, it has been classified as a Variant of Uncertain Significance.